The following is an entry in ClinVar:

NM_001572.5(IRF7):c.449C>T (p.Pro150Leu)

Gene: IRF7 (interferon regulatory factor 7; minus strand). Cytogenetic location: 11p15.5.
Variant type: single nucleotide variant.
Coding change: c.449C>T on transcript NM_001572.5 (MANE Select); coding-DNA position 449, C replaced by T.
Protein change: p.Pro150Leu; replaces proline 150 with leucine.
Molecular consequence: missense variant.
Genome position (GRCh38, 1-based): chr11:614,480, G>A on the plus strand (C>T on the coding strand, the complement: IRF7 is on the minus strand). VCF-style: chr11-614480-G-A. GRCh37 (hg19) VCF-style: chr11-614480-G-A.
Other names: c.449C>T, p.Pro150Leu (NM_004029.4); c.488C>T, p.Pro163Leu (NM_004031.4); short protein forms P150L, P163L.
Identifiers: ClinVar variation 3636203 (VCV003636203.2).

ClinVar aggregate classification (germline): Uncertain significance (1 of 4 stars; one submission).

Conditions:
Immunodeficiency 39 (IMD39). Identifiers: Orphanet 574918, MedGen C4225358, MONDO:0014597, OMIM 616345.

Submission:

Labcorp Genetics (formerly Invitae), Labcorp
Classification: Uncertain significance for Immunodeficiency 39. Last evaluated: 2024-05-27. Review status: criteria provided, single submitter. Criteria: Invitae Variant Classification Sherloc (09022015). Collection method: clinical testing. Allele origin: germline.
Comment: This sequence change replaces proline, which is neutral and non-polar, with leucine, which is neutral and non-polar, at codon 163 of the IRF7 protein (p.Pro163Leu). This variant is not present in population databases (gnomAD no frequency). This variant has not been reported in the literature in individuals affected with IRF7-related conditions. Advanced modeling of protein sequence and biophysical properties (such as structural, functional, and spatial information, amino acid conservation, physicochemical variation, residue mobility, and thermodynamic stability) performed at Invitae indicates that this missense variant is not expected to disrupt IRF7 protein function with a negative predictive value of 80%. In summary, the available evidence is currently insufficient to determine the role of this variant in disease. Therefore, it has been classified as a Variant of Uncertain Significance.